The following is an entry in ClinVar:

ClinVar aggregate classification (germline): Likely benign. Review status: criteria provided, multiple submitters, no conflicts (2 of 4 stars). 2 submissions from 2 submitters: Likely benign (2). Last evaluated 2025-10-03.

Allele frequency attached by ClinVar (database versions not stated): gnomAD exomes below 0.00001 and 0.00001; TOPMed below 0.00001; gnomAD 0.00001.
gnomAD v4.1: 15 of 1,613,734 alleles (0.00093%); highest among the groups gnomAD compares: Middle Eastern, 0.033%; no homozygotes.

Submissions (2):

Mayo Clinic Laboratories, Mayo Clinic
Classification: Likely benign. Last evaluated: 2025-10-03. Review status: criteria provided, single submitter. Criteria: ACMG Guidelines, 2015. Collection method: clinical testing. Allele origin: germline. Observed: 1 variant allele.
Comment: BP4, BP7

PreventionGenetics, part of Exact Sciences
Classification: Likely benign. Review status: criteria provided, single submitter. Criteria: ACMG Guidelines, 2015. Collection method: clinical testing. Allele origin: germline.

NM_000153.4(GALC):c.443-30C>T

Gene: GALC (galactosylceramidase; minus strand). Cytogenetic location: 14q31.3.
Variant type: single nucleotide variant.
Coding change: c.443-30C>T on transcript NM_000153.4 (MANE Select); 30 bases into the intron before coding-DNA position 443, C replaced by T.
Molecular consequence: intron variant.
Genome position (GRCh38, 1-based): chr14:87,984,563, G>A on the plus strand (C>T on the coding strand, the complement: GALC is on the minus strand). VCF-style: chr14-87984563-G-A. GRCh37 (hg19) VCF-style: chr14-88450907-G-A.
Other names: p.?; c.365-30C>T (NM_001201402.2); c.374-30C>T (NM_001201401.2).
Identifiers: ClinVar variation 255378 (VCV000255378.3), dbSNP rs886038262, ClinGen allele CA10587192.